The following is an entry in ClinVar:

NM_002524.5(NRAS):c.451-200C>T

Gene: NRAS (NRAS proto-oncogene, GTPase; minus strand). Cytogenetic location: 1p13.2.
Variant type: single nucleotide variant.
Coding change: c.451-200C>T on transcript NM_002524.5 (MANE Select); 200 bases into the intron before coding-DNA position 451, C replaced by T.
Molecular consequence: intron variant.
Genome position (GRCh38, 1-based): chr1:114,708,854, G>A on the plus strand (C>T on the coding strand, the complement: NRAS is on the minus strand). VCF-style: chr1-114708854-G-A. GRCh37 (hg19) VCF-style: chr1-115251475-G-A.
Other names: c.451-200C>T (LRG_92t1).
Identifiers: ClinVar variation 561430 (VCV000561430.1), dbSNP rs61758221, ClinGen allele CA10955125.

ClinVar aggregate classification (germline): Benign (1 of 4 stars; one submission).

Allele frequency attached by ClinVar (database versions not stated): 1000 Genomes Project 30x 0.00968; 1000 Genomes Project 0.01098; TOPMed 0.02065; gnomAD 0.02570 and 0.02708.

Submission:

GeneDx
Classification: Benign. Last evaluated: 2018-06-19. Review status: criteria provided, single submitter. Criteria: GeneDx Variant Classification (06012015). Collection method: clinical testing. Allele origin: germline. Affected: yes.
Comment: This variant is considered likely benign or benign based on one or more of the following criteria: it is a conservative change, it occurs at a poorly conserved position in the protein, it is predicted to be benign by multiple in silico algorithms, and/or has population frequency not consistent with disease.